The following is an entry in ClinVar:

NM_002474.3(MYH11):c.4282G>C (p.Glu1428Gln)

Genes: MYH11 (myosin heavy chain 11; minus strand), NDE1 (nudE neurodevelopment protein 1; plus strand). Cytogenetic location: 16p13.11.
Variant type: single nucleotide variant.
Coding change: c.4282G>C on transcript NM_002474.3 (MANE Select); coding-DNA position 4282, G replaced by C.
Protein change: p.Glu1428Gln; replaces glutamic acid 1428 with glutamine.
Molecular consequence: missense variant.
Genome position (GRCh38, 1-based): chr16:15,724,244, C>G on the plus strand (G>C on the coding strand, the complement: MYH11 is on the minus strand). VCF-style: chr16-15724244-C-G. GRCh37 (hg19) VCF-style: chr16-15818101-C-G.
Other names: c.4303G>C, p.Glu1435Gln (NM_001040113.2, NM_001040114.2); c.4282G>C, p.Glu1428Gln (NM_022844.3); c.1001C>G, p.Ser334Cys (NM_001143979.2, NM_017668.3); c.4282G>C (NM_002474.2); short protein forms E1435Q, E1428Q, S334C.
Identifiers: ClinVar variation 920591 (VCV000920591.8), dbSNP rs2040631854, ClinGen allele CA394857153.

ClinVar aggregate classification (germline): Uncertain significance. Review status: criteria provided, multiple submitters, no conflicts (2 of 4 stars). 4 submissions from 4 submitters: Uncertain significance (4). Last evaluated 2025-03-10.

Conditions:
Familial thoracic aortic aneurysm and aortic dissection (TAAD). Also called: Thoracic aortic aneurysms and dissections. Identifiers: Orphanet 91387, MedGen C4707243, MONDO:0019625.

gnomAD v4.1: 2 of 1,614,200 alleles (0.00012%); highest among the groups gnomAD compares: Non-Finnish European, 0.00017%; no homozygotes.

Submissions (4):

GeneDx
Classification: Uncertain significance. Last evaluated: 2025-03-10. Review status: criteria provided, single submitter. Criteria: GeneDx Variant Classification Process June 2021. Collection method: clinical testing. Allele origin: germline. Affected: yes.
Comment: Not observed at significant frequency in large population cohorts (gnomAD); In silico analysis supports that this missense variant has a deleterious effect on protein structure/function; Has not been previously published as pathogenic or benign to our knowledge

Ambry Genetics
Classification: Uncertain significance for Familial thoracic aortic aneurysm and aortic dissection. Last evaluated: 2024-02-25. Review status: criteria provided, single submitter. Criteria: Ambry Variant Classification Scheme 2023. Collection method: clinical testing. Allele origin: germline.
Comment: The p.E1428Q variant (also known as c.4282G>C), located in coding exon 30 of the MYH11 gene, results from a G to C substitution at nucleotide position 4282. The glutamic acid at codon 1428 is replaced by glutamine, an amino acid with highly similar properties. This amino acid position is conserved. In addition, this alteration is predicted to be deleterious by in silico analysis. Based on the available evidence, the clinical significance of this alteration remains unclear.

Color Diagnostics, LLC DBA Color Health
Classification: Uncertain significance for Familial thoracic aortic aneurysm and aortic dissection. Last evaluated: 2023-12-04. Review status: criteria provided, single submitter. Criteria: ACMG Guidelines, 2015. Collection method: clinical testing. Allele origin: germline.
Comment: Variant of Uncertain Significance due to insufficient evidence: This missense variant replaces glutamic acid with glutamine at codon 1435 of the MYH11 protein. Computational prediction tools and conservation analyses are inconclusive regarding the impact of this variant on the protein function. Computational splicing tools suggest that this variant may not impact RNA splicing. To our knowledge, functional assays have not been performed for this variant nor has this variant been reported in individuals affected with cardiovascular disorders in the literature. This variant is rare in the general population and has been identified in 0/277264 chromosomes by the Genome Aggregation Database (gnomAD). Available evidence is insufficient to determine the role of this variant in disease conclusively.

All of Us Research Program, National Institutes of Health
Classification: Uncertain significance for Familial thoracic aortic aneurysm and aortic dissection. Last evaluated: 2023-11-30. Review status: criteria provided, single submitter. Criteria: ACMG Guidelines, 2015. Collection method: clinical testing. Allele origin: germline. Inheritance: Autosomal dominant inheritance. Observed: 1 variant allele, 1 heterozygote.
Comment: Variant of Uncertain Significance due to insufficient evidence: This missense variant replaces glutamic acid with glutamine at codon 1435 of the MYH11 protein. Computational prediction tools and conservation analyses are inconclusive regarding the impact of this variant on the protein function. Computational splicing tools suggest that this variant may not impact RNA splicing. To our knowledge, functional assays have not been performed for this variant nor has this variant been reported in individuals affected with cardiovascular disorders in the literature. This variant is rare in the general population and has been identified in 0/277264 chromosomes by the Genome Aggregation Database (gnomAD). Available evidence is insufficient to determine the role of this variant in disease conclusively.

This study involves interpretation of variants in research participants for the purpose of population health screening. Participant phenotype was not available at the time of variant classification. Additional details can be found in publication PMID: 35346344, PMCID: PMC8962531